The following is an entry in ClinVar:

NM_170601.5(SIAE):c.752C>T (p.Pro251Leu)

Gene: SIAE (sialic acid acetylesterase; minus strand). Cytogenetic location: 11q24.2.
Variant type: single nucleotide variant.
Coding change: c.752C>T on transcript NM_170601.5 (MANE Select); coding-DNA position 752, C replaced by T.
Protein change: p.Pro251Leu; replaces proline 251 with leucine.
Molecular consequence: missense variant.
Genome position (GRCh38, 1-based): chr11:124,648,146, G>A on the plus strand (C>T on the coding strand, the complement: SIAE is on the minus strand). VCF-style: chr11-124648146-G-A. GRCh37 (hg19) VCF-style: chr11-124518042-G-A.
Other names: c.647C>T, p.Pro216Leu (NM_001199922.2); short protein forms P216L, P251L.
Identifiers: ClinVar variation 1397940 (VCV001397940.6), dbSNP rs375434860, ClinGen allele CA6341414.

ClinVar aggregate classification (germline): Uncertain significance (1 of 4 stars; one submission).

Allele frequency attached by ClinVar (database versions not stated): ExAC 0.00002; gnomAD 0.00003 and 0.00004; TOPMed 0.00003; gnomAD exomes 0.00004; ESP Exome Variant Server 0.00008.
gnomAD v4.1: 83 of 1,613,842 alleles (0.0051%); highest among the groups gnomAD compares: Non-Finnish European, 0.007%; no homozygotes.

Submission:

Labcorp Genetics (formerly Invitae), Labcorp
Classification: Uncertain significance. Last evaluated: 2026-01-06. Review status: criteria provided, single submitter. Criteria: Invitae Variant Classification Sherloc (09022015). Collection method: clinical testing. Allele origin: germline.
Comment: This sequence change replaces proline, which is neutral and non-polar, with leucine, which is neutral and non-polar, at codon 251 of the SIAE protein (p.Pro251Leu). This variant is present in population databases (rs375434860, gnomAD 0.007%). This variant has not been reported in the literature in individuals affected with SIAE-related conditions. ClinVar contains an entry for this variant (Variation ID: 1397940). An algorithm developed to predict the effect of missense changes on protein structure and function (PolyPhen-2) suggests that this variant is likely to be disruptive. In summary, the available evidence is currently insufficient to determine the role of this variant in disease. Therefore, it has been classified as a Variant of Uncertain Significance.